The following is an entry in ClinVar:

ClinVar aggregate classification (germline): Uncertain significance (1 of 4 stars; one submission).

gnomAD v4.1: 1 of 1,611,896 alleles (0.000062%); highest among the groups gnomAD compares: Non-Finnish European, 0.000085%; no homozygotes.

Submission:

Women's Health and Genetics/Laboratory Corporation of America, LabCorp
Classification: Uncertain significance. Last evaluated: 2024-10-18. Review status: criteria provided, single submitter. Criteria: LabCorp Variant Classification Summary - May 2015. Collection method: clinical testing. Allele origin: germline.
Comment: Variant summary: PKHD1 c.6401T>C (p.Leu2134Pro) results in a non-conservative amino acid change in the encoded protein sequence. Four of five in-silico tools predict a damaging effect of the variant on protein function. The variant was absent in 250154 control chromosomes (gnomAD). The available data on variant occurrences in the general population are insufficient to allow any conclusion about variant significance. c.6401T>C has been reported in the literature in an individual affected with Polycystic Kidney And Hepatic Disease without strong evidence of causality (Bergmann_2003). This report does not provide unequivocal conclusions about association of the variant with Polycystic Kidney And Hepatic Disease. To our knowledge, no experimental evidence demonstrating an impact on protein function has been reported. The following publication has been ascertained in the context of this evaluation (PMID: 12506140). No submitters have cited clinical-significance assessments for this variant to ClinVar. Based on the evidence outlined above, the variant was classified as uncertain significance.

Literature cited by the submitters: PubMed 12506140.

NM_138694.4(PKHD1):c.6401T>C (p.Leu2134Pro)

Gene: PKHD1 (PKHD1 ciliary IPT domain containing fibrocystin/polyductin; minus strand). Cytogenetic location: 6p12.2.
Variant type: single nucleotide variant.
Coding change: c.6401T>C on transcript NM_138694.4 (MANE Select); coding-DNA position 6401, T replaced by C.
Protein change: p.Leu2134Pro; replaces leucine 2134 with proline.
Molecular consequence: missense variant.
Genome position (GRCh38, 1-based): chr6:51,911,888, A>G on the plus strand (T>C on the coding strand, the complement: PKHD1 is on the minus strand). VCF-style: chr6-51911888-A-G. GRCh37 (hg19) VCF-style: chr6-51776686-A-G.
Other names: c.6401T>C, p.Leu2134Pro (NM_170724.3); short protein forms L2134P.
Identifiers: ClinVar variation 3385200 (VCV003385200.1).
Genomic context (GRCh38, chr6:51,911,888, plus strand): 5'-ACAAGCAGCTTCTCCCTCTCATTAGTGAGATTTCCTTGTATGGTAATACTCCTGCTGAGC[A>G]GAGCCACAGTGGCCTTTAAAATATGGTGCTCTCCAGCCACCCAATTCTCTGTAAAGTTGT-3'
Protein context (NP_619639.3, residues 2124-2144): EHHILKATVA[Leu2134Pro]LSRSITIQGN